The following is an entry in ClinVar:

ClinVar aggregate classification (germline): Uncertain significance. Review status: criteria provided, multiple submitters, no conflicts (2 of 4 stars). 3 submissions from 3 submitters: Uncertain significance (3). Last evaluated 2025-01-21.

Conditions:
Leukoencephalopathy with brain stem and spinal cord involvement-high lactate syndrome (LBSL). Also called: LEUKOENCEPHALOPATHY WITH BRAINSTEM AND SPINAL CORD INVOLVEMENT AND LACTATE ELEVATION, MILD; Leukoencephalopathy with Brainstem and Spinal Cord Involvement and Lactate Elevation; MITOCHONDRIAL ASPARTYL-tRNA SYNTHETASE DEFICIENCY. Identifiers: Orphanet 137898, MedGen C1970180, MONDO:0012622, OMIM 611105.

Allele frequency attached by ClinVar (database versions not stated): ExAC 0.00001; TOPMed 0.00001; gnomAD exomes 0.00002.
gnomAD v4.1: 26 of 1,607,182 alleles (0.0016%); highest among the groups gnomAD compares: Non-Finnish European, 0.002%; no homozygotes.

Submissions (3):

Broad Center for Mendelian Genomics, Broad Institute of MIT and Harvard
Classification: Uncertain significance for Leukoencephalopathy with brain stem and spinal cord involvement-high lactate syndrome. Last evaluated: 2025-01-21. Review status: criteria provided, single submitter. Criteria: ACMG Guidelines, 2015. Collection method: curation. Allele origin: germline. Inheritance: Autosomal recessive inheritance.
Comment: The p.Arg170Trp variant in DARS2 has been reported in 3 individuals with leukoencephalopathy with brain stem and spinal cord involvement-high lactate syndrome (PMID: 33972171, 34631948), and has been identified in 0.002% (23/1176568) of European (non-Finnish) chromosomes by the Genome Aggregation Database (gnomAD; dbSNP rs776515724). Although this variant has been seen in the general population in a heterozygous state, its frequency is low enough to be consistent with a recessive carrier frequency. This variant has also been reported in ClinVar (Variation ID: 1191134) and has been interpreted as a variant of uncertain significance by GeneDx. Computational prediction tools and conservation analyses suggest that this variant may impact the protein, though this information is not predictive enough to determine pathogenicity. In summary, while there is some suspicion for a pathogenic role, the clinical significance of this variant is uncertain. ACMG/AMP Criteria applied: PM2_supporting, PP3_moderate (Richards 2015).

Blueprint Genetics
Classification: Uncertain significance. Last evaluated: 2021-09-06. Review status: criteria provided, single submitter. Criteria: ACMG Guidelines, 2015. Collection method: clinical testing. Allele origin: germline.

GeneDx
Classification: Uncertain significance. Last evaluated: 2019-08-29. Review status: criteria provided, single submitter. Criteria: GeneDx Variant Classification Process June 2021. Collection method: clinical testing. Allele origin: germline. Affected: yes.
Comment: Not observed at a significant frequency in large population cohorts (Lek et al., 2016); In silico analysis, which includes protein predictors and evolutionary conservation, supports a deleterious effect; Has not been previously published as pathogenic or benign to our knowledge

NM_018122.5(DARS2):c.508C>T (p.Arg170Trp)

Gene: DARS2 (aspartyl-tRNA synthetase 2, mitochondrial; plus strand). Cytogenetic location: 1q25.1.
Variant type: single nucleotide variant.
Coding change: c.508C>T on transcript NM_018122.5 (MANE Select); coding-DNA position 508, C replaced by T.
Protein change: p.Arg170Trp; replaces arginine 170 with tryptophan.
Molecular consequence: missense variant.
Genome position (GRCh38, 1-based): chr1:173,833,391, C>T. VCF-style: chr1-173833391-C-T. GRCh37 (hg19) VCF-style: chr1-173802529-C-T.
Other names: NM_018122.5(DARS2):c.508C>T; p.Arg170Trp; c.508C>T, p.Arg170Trp (NM_001365213.2, NM_001365212.1); short protein forms R170W.
Identifiers: ClinVar variation 1191134 (VCV001191134.4), dbSNP rs776515724, ClinGen allele CA1250157.